The following is an entry in ClinVar:

NM_007078.3(LDB3):c.778G>A (p.Ala260Thr)

Gene: LDB3 (LIM domain binding 3; plus strand). Cytogenetic location: 10q23.2.
Variant type: single nucleotide variant.
Coding change: c.778G>A on transcript NM_007078.3 (MANE Select); coding-DNA position 778, G replaced by A.
Protein change: p.Ala260Thr; replaces alanine 260 with threonine.
Molecular consequence: missense variant.
Genome position (GRCh38, 1-based): chr10:86,691,984, G>A. VCF-style: chr10-86691984-G-A. GRCh37 (hg19) VCF-style: chr10-88451741-G-A.
Other names: c.637G>A, p.Ala213Thr (NM_001080114.2, NM_001368066.1, NM_001368067.1 and 2 more transcripts); c.778G>A, p.Ala260Thr (NM_001080115.2, NM_001368063.1, NM_001368064.1 and 1 more transcripts); c.982G>A, p.Ala328Thr (NM_001171610.2, NM_001171611.2); short protein forms A260T, A328T, A213T.
Identifiers: ClinVar variation 691843 (VCV000691843.9), dbSNP rs777637914, ClinGen allele CA5584889.

ClinVar aggregate classification (germline): Uncertain significance. Review status: criteria provided, multiple submitters, no conflicts (2 of 4 stars). 2 submissions from 2 submitters: Uncertain significance (2). Last evaluated 2024-01-04.

Conditions:
Myofibrillar myopathy 4. Also called: Zaspopathy (type). Identifiers: Orphanet 98912, MedGen C4721886, MONDO:0012277, OMIM 609452.
Left ventricular noncompaction cardiomyopathy. Also called: left ventricular non-compaction cardiomyopathy. Identifiers: MedGen C4021133, HP:0011664.

Allele frequency attached by ClinVar (database versions not stated): gnomAD exomes below 0.00001 and 0.00001; ExAC 0.00001; gnomAD 0.00001; TOPMed 0.00001.
gnomAD v4.1: 4 of 1,614,086 alleles (0.00025%); highest among the groups gnomAD compares: Non-Finnish European, 0.00034%; no homozygotes.

Submissions (2):

Labcorp Genetics (formerly Invitae), Labcorp
Classification: Uncertain significance for Myofibrillar myopathy 4. Last evaluated: 2024-01-04. Review status: criteria provided, single submitter. Criteria: Invitae Variant Classification Sherloc (09022015). Collection method: clinical testing. Allele origin: germline.
Comment: This sequence change replaces alanine, which is neutral and non-polar, with threonine, which is neutral and polar, at codon 213 of the LDB3 protein (p.Ala213Thr). This variant is present in population databases (rs777637914, gnomAD 0.0009%). This variant has not been reported in the literature in individuals affected with LDB3-related conditions. ClinVar contains an entry for this variant (Variation ID: 691843). An algorithm developed to predict the effect of missense changes on protein structure and function (PolyPhen-2) suggests that this variant is likely to be tolerated. In summary, the available evidence is currently insufficient to determine the role of this variant in disease. Therefore, it has been classified as a Variant of Uncertain Significance.

Klaassen Lab, Charite University Medicine Berlin
Classification: Uncertain significance for Left ventricular noncompaction cardiomyopathy. Last evaluated: 2019-07-03. Review status: criteria provided, single submitter. Criteria: ACMG Guidelines, 2015. Collection method: research. Allele origin: germline. Affected: yes.

Literature cited by the submitters: PubMed 31333075 (cited by Klaassen Lab, Charite University Medicine Berlin); PubMed 31568572 (cited by Klaassen Lab, Charite University Medicine Berlin).